The following is an entry in ClinVar:

ClinVar aggregate classification (germline): Pathogenic (1 of 4 stars; one submission).

Conditions:
Early-onset myopathy with fatal cardiomyopathy (CMYO5). Also called: Salih Myopathy; CONGENITAL MYOPATHY 5 WITH CARDIOMYOPATHY. Identifiers: Orphanet 289377, MedGen C2673677, MONDO:0012714, OMIM 611705. Disease mechanism: loss of function.

Submission:

Mendelics
Classification: Pathogenic for Early-onset myopathy with fatal cardiomyopathy. Last evaluated: 2026-03-05. Review status: criteria provided, single submitter. Criteria: ACMG Guidelines, 2015. Collection method: clinical testing. Allele origin: unknown.
Comment: Likely pathogenic/Pathogenic according to ACMG criteria.

NM_001267550.2(TTN):c.42565del (p.Ile14189fs)

Gene: TTN (titin; minus strand). Cytogenetic location: 2q31.2.
Variant type: Deletion.
Coding change: c.42565del on transcript NM_001267550.2 (MANE Select); coding-DNA position 42565, one base deleted (A; older notation c.42565delA).
Protein change: p.Ile14189fs; shifts the reading frame from isoleucine 14189.
Molecular consequence: frameshift variant.
Genome position (GRCh38, 1-based): chr2:178,633,934, T deleted on the plus strand (A on the coding strand, the reverse complement: TTN is on the minus strand). VCF-style (leftmost placement, unchanged base first): chr2-178633933-AT-A. GRCh37 (hg19) VCF-style: chr2-179498660-AT-A.
Other names: c.37642del, p.Ile12548fs (NM_001256850.1); c.15370del, p.Ile5124fs (NM_003319.4); c.34861del, p.Ile11621fs (NM_133378.4); c.15745del, p.Ile5249fs (NM_133432.3); c.15946del, p.Ile5316fs (NM_133437.4); short protein forms I11621fs, I12548fs, I14189fs, I5124fs, I5249fs, I5316fs.
Identifiers: ClinVar variation 4813582 (VCV004813582.1).